The following is an entry in ClinVar:

NM_001845.6(COL4A1):c.2698G>A (p.Gly900Arg)

Gene: COL4A1 (collagen type IV alpha 1 chain; minus strand). Cytogenetic location: 13q34.
Variant type: single nucleotide variant.
Coding change: c.2698G>A on transcript NM_001845.6 (MANE Select); coding-DNA position 2698, G replaced by A.
Protein change: p.Gly900Arg; replaces glycine 900 with arginine.
Molecular consequence: missense variant.
Genome position (GRCh38, 1-based): chr13:110,177,860, C>T on the plus strand (G>A on the coding strand, the complement: COL4A1 is on the minus strand). VCF-style: chr13-110177860-C-T. GRCh37 (hg19) VCF-style: chr13-110830207-C-T.
Other names: short protein forms G900R.
Identifiers: ClinVar variation 3775628 (VCV003775628.1).
Genomic context (GRCh38, chr13:110,177,860, plus strand): 5'-AATAGACACAAAATGAGCTTCTAGGGTTATCAGCTCCCCTACCTTTTTCACCCGGTAATC[C>T]AGGAGCACCCACTGGTCCTGGTGAGCCCGGCTGCCCGGGGGTCCCCATGACGCCCATTTC-3'
Protein context (NP_001836.3, residues 890-910): PGSPGPVGAP[Gly900Arg]LPGEKGDHGF

ClinVar aggregate classification (germline): Likely pathogenic (1 of 4 stars; one submission).

Conditions:
Brain small vessel disease 1 with or without ocular anomalies (BSVD1). Also called: PORENCEPHALY, TYPE 1, AUTOSOMAL DOMINANT; Brain small vessel disease with or without ocular anomalies; BRAIN SMALL VESSEL DISEASE WITH HEMORRHAGE; GOULD SYNDROME 1. Identifiers: Orphanet 2940, Orphanet 36383, Orphanet 99810, MedGen C4755307, MONDO:0008289, OMIM 175780.

Submission:

3billion
Classification: Likely pathogenic for Brain small vessel disease 1 with or without ocular anomalies. Last evaluated: 2024-03-05. Review status: criteria provided, single submitter. Criteria: ACMG Guidelines, 2015. Collection method: clinical testing. Allele origin: germline. Affected: yes.
Comment: The variant is not observed in the gnomAD v2.1.1 dataset. Predicted Consequence/Location: Missense changes are a common disease-causing mechanism. In silico tool predictions suggest damaging effect of the variant on gene or gene product [REVEL: 0.98 (>=0.6, sensitivity 0.68 and specificity 0.92); 3Cnet: 0.94 (>=0.6, sensitivity 0.72 and precision 0.9)]. A different missense change at the same codon (p.Gly900Glu) has been reported to be associated with COL4A1 related disorder (PMID: 30837194). Therefore, this variant is classified as Likely pathogenic according to the recommendation of ACMG/AMP guideline.

Literature cited by the submitters: PubMed 30837194.